The following is an entry in ClinVar:

NM_006393.3(NEBL):c.2556C>T (p.Phe852=)

Gene: NEBL (nebulette; minus strand). Cytogenetic location: 10p12.31.
Variant type: single nucleotide variant.
Coding change: c.2556C>T on transcript NM_006393.3 (MANE Select); coding-DNA position 2556, C replaced by T.
Protein change: p.Phe852=; no amino-acid change (phenylalanine 852 retained).
Molecular consequence: synonymous variant. On other transcripts: intron variant (8).
Genome position (GRCh38, 1-based): chr10:20,809,861, G>A on the plus strand (C>T on the coding strand, the complement: NEBL is on the minus strand). VCF-style: chr10-20809861-G-A. GRCh37 (hg19) VCF-style: chr10-21098790-G-A.
Other names: c.567C>T, p.Phe189= (NM_001377322.1); c.421+2908C>T (NM_001377326.1, NM_001377327.1, NM_001377328.1); c.529+2908C>T (NM_213569.2, NM_001173484.2); c.472+2908C>T (NM_001377324.1); c.463+2908C>T (NM_001377325.1); c.481+2908C>T (NM_001377323.1).
Identifiers: ClinVar variation 3046591 (VCV003046591.2), dbSNP rs774968429, ClinGen allele CA5432415.

ClinVar aggregate classification (germline): Likely benign (0 of 4 stars; one submission).

Conditions:
NEBL-related disorder. Also called: NEBL-related condition.

Allele frequency attached by ClinVar (database versions not stated): gnomAD 0.00001; gnomAD exomes 0.00001; ExAC 0.00003.
gnomAD v4.1: 18 of 1,610,826 alleles (0.0011%); highest among the groups gnomAD compares: East Asian, 0.0045%; no homozygotes.

Submission:

PreventionGenetics, part of Exact Sciences
Classification: Likely benign for NEBL-related condition. Last evaluated: 2019-03-13. Review status: no assertion criteria provided. Collection method: clinical testing. Allele origin: germline.
Comment: This variant is classified as likely benign based on ACMG/AMP sequence variant interpretation guidelines (Richards et al. 2015 PMID: 25741868, with internal and published modifications).